The following is an entry in ClinVar:

ClinVar aggregate classification (germline): Uncertain significance. Review status: criteria provided, multiple submitters, no conflicts (2 of 4 stars). 3 submissions from 3 submitters: Uncertain significance (2). 1 of the submissions does not count toward it. Last evaluated 2024-10-23.

Conditions:
Benign familial hematuria. Also called: thin basement membrane disease. Identifiers: MedGen C0241908, MONDO:0957317.
COL4A4-related disorder.

Allele frequency attached by ClinVar (database versions not stated): gnomAD exomes below 0.00001 and 0.00001; ExAC 0.00001; TOPMed 0.00001.
gnomAD v4.1: 10 of 1,597,708 alleles (0.00063%); highest among the groups gnomAD compares: Non-Finnish European, 0.00085%; no homozygotes.

Submissions (3):

Blueprint Genetics
Classification: Uncertain significance. Last evaluated: 2024-10-23. Review status: criteria provided, single submitter. Criteria: ACMG Guidelines, 2015. Collection method: clinical testing. Allele origin: germline.

Victorian Clinical Genetics Services, Murdoch Childrens Research Institute
Classification: Uncertain significance for Hematuria, benign familial, 1. Last evaluated: 2019-03-17. Review status: criteria provided, single submitter. Criteria: ACMG Guidelines, 2015. Collection method: clinical testing. Allele origin: unknown. Affected: yes.
Comment: A heterozygous missense variant, NM_000092.4(COL4A4):c.4367A>G, has been identified in exon 46 of 48 of the COL4A4 gene. The variant is predicted to result in a minor amino acid change from lysine to arginine at position 1456 of the protein (NP_000083.3(COL4A4):p.(Lys1456Arg)). The lysine residue at this position has low conservation (100 vertebrates, UCSC), and is located within the Triple helical domain. In silico predictions for this variant are consistently benign (Polyphen, SIFT, CADD, Mutation Taster). The variant is present in the gnomAD database at a frequency of 0.0004% (1 heterozygote, 0 homozygotes) but has not been previously reported in clinical cases. Based on the information available at the time of curation, this variant has been classified as a VARIANT of UNCERTAIN SIGNIFICANCE (VUS).

PreventionGenetics, part of Exact Sciences
Classification: Uncertain significance for COL4A4-related condition. Last evaluated: 2024-01-17. Review status: no assertion criteria provided. Collection method: clinical testing. Allele origin: germline. Not counted in ClinVar's aggregate classification.
Comment: The COL4A4 c.4367A>G variant is predicted to result in the amino acid substitution p.Lys1456Arg. To our knowledge, this variant has not been reported in the literature. This variant is reported in 0.00093% of alleles in individuals of European (Non-Finnish) descent in gnomAD. At this time, the clinical significance of this variant is uncertain due to the absence of conclusive functional and genetic evidence.

NM_000092.5(COL4A4):c.4367A>G (p.Lys1456Arg)

Gene: COL4A4 (collagen type IV alpha 4 chain; minus strand). Cytogenetic location: 2q36.3.
Variant type: single nucleotide variant.
Coding change: c.4367A>G on transcript NM_000092.5 (MANE Select); coding-DNA position 4367, A replaced by G.
Protein change: p.Lys1456Arg; replaces lysine 1456 with arginine.
Molecular consequence: missense variant.
Genome position (GRCh38, 1-based): chr2:227,010,468, T>C on the plus strand (A>G on the coding strand, the complement: COL4A4 is on the minus strand). VCF-style: chr2-227010468-T-C. GRCh37 (hg19) VCF-style: chr2-227875184-T-C.
Other names: short protein forms K1456R.
Identifiers: ClinVar variation 975099 (VCV000975099.6), dbSNP rs770419378, ClinGen allele CA2144184.